The following is an entry in ClinVar:

ClinVar aggregate classification (germline): Uncertain significance (0 of 4 stars; one submission).

Conditions:
TRIM32-related disorder. Also called: TRIM32-related condition.

Submission:

PreventionGenetics, part of Exact Sciences
Classification: Uncertain significance for TRIM32-related condition. Last evaluated: 2023-11-30. Review status: no assertion criteria provided. Collection method: clinical testing. Allele origin: germline.
Comment: The TRIM32 c.1466A>G variant is predicted to result in the amino acid substitution p.Glu489Gly. To our knowledge, this variant has not been reported in the literature or in a large population database, indicating this variant is rare. At this time, the clinical significance of this variant is uncertain due to the absence of conclusive functional and genetic evidence.

NM_012210.4(TRIM32):c.1466A>G (p.Glu489Gly)

Genes: ASTN2 (astrotactin 2; minus strand), TRIM32 (tripartite motif containing 32; plus strand). Cytogenetic location: 9q33.1.
Variant type: single nucleotide variant.
Coding change: c.1466A>G on transcript NM_012210.4 (MANE Select); coding-DNA position 1466, A replaced by G.
Protein change: p.Glu489Gly; replaces glutamic acid 489 with glycine.
Molecular consequence: missense variant. On other transcripts: intron variant (3).
Genome position (GRCh38, 1-based): chr9:116,699,208, A>G. VCF-style: chr9-116699208-A-G. GRCh37 (hg19) VCF-style: chr9-119461487-A-G.
Other names: c.1466A>G, p.Glu489Gly (NM_001099679.2, NM_001379048.1, NM_001379049.1 and 1 more transcripts); c.2653+26563T>C (NM_014010.5); c.2794+26563T>C (NM_001365069.1); c.2806+26563T>C (NM_001365068.1); short protein forms E489G.
Identifiers: ClinVar variation 3348601 (VCV003348601.1).